The following is an entry in ClinVar:

NM_000089.4(COL1A2):c.432+5G>A

Gene: COL1A2 (collagen type I alpha 2 chain; plus strand). Cytogenetic location: 7q21.3.
Variant type: single nucleotide variant.
Coding change: c.432+5G>A on transcript NM_000089.4 (MANE Select); 5 bases into the intron after coding-DNA position 432, G replaced by A.
Molecular consequence: intron variant.
Genome position (GRCh38, 1-based): chr7:94,404,897, G>A. VCF-style: chr7-94404897-G-A. GRCh37 (hg19) VCF-style: chr7-94034209-G-A.
Other names: IVS9DS, G-A, +5.
Identifiers: ClinVar variation 17269 (VCV000017269.5), dbSNP rs72656364, ClinGen allele CA162914496.
Genomic context (GRCh38, chr7:94,404,897, plus strand): 5'-AGGGTCCTGCAGGTGCTCGTGGTCCAGCTGGCCCTCCTGGCAAGGCTGGTGAAGATGTAA[G>A]TATTTACTCTTAAGCACTTTCAAAATGCTATTTAAATACTCTTGCCTCAACAAGATTTTC-3'

ClinVar aggregate classification (germline): Pathogenic. Review status: criteria provided, single submitter (1 of 4 stars). 2 submissions from 2 submitters: Pathogenic (1). 1 of the submissions does not count toward it. Last evaluated 2023-11-10.

Conditions:
Ehlers-Danlos syndrome, classic type, 1 (EDSCL1). Also called: Ehlers-Danlos Syndrome, Classic Type, COL5A1-Related; EDS I; Ehlers-Danlos syndrome, type 1; EHLERS-DANLOS SYNDROME, GRAVIS TYPE; EHLERS-DANLOS SYNDROME, SEVERE CLASSIC TYPE. Identifiers: MedGen C0268335, MONDO:0019567, OMIM 130000.
Osteogenesis imperfecta type I (OI1). Also called: Lobstein disease; Classic Non-deforming Osteogenesis Imperfecta with Blue Sclerae; OI, TYPE I; OSTEOGENESIS IMPERFECTA TARDA; OSTEOGENESIS IMPERFECTA WITH BLUE SCLERAE; Osteogenesis imperfecta type 1. Identifiers: Orphanet 216796, Orphanet 666, MedGen C0023931, MONDO:0008146, OMIM 166200. Disease mechanism: loss of function.
Combined osteogenesis imperfecta and Ehlers-Danlos syndrome 2. Also called: OIEDS SYNDROME 2. Identifiers: MedGen C5436847, MONDO:0030855, OMIM 619120.

Submissions (2):

Labcorp Genetics (formerly Invitae), Labcorp
Classification: Pathogenic for Osteogenesis imperfecta type I; Ehlers-Danlos syndrome, classic type, 1. Last evaluated: 2023-11-10. Review status: criteria provided, single submitter. Criteria: Invitae Variant Classification Sherloc (09022015). Collection method: clinical testing. Allele origin: germline.
Comment: This sequence change falls in intron 9 of the COL1A2 gene. It does not directly change the encoded amino acid sequence of the COL1A2 protein. RNA analysis indicates that this variant induces altered splicing and likely results in a shortened protein product. This variant is not present in population databases (gnomAD no frequency). This variant has been observed in individuals with autosomal dominant COL1A2-related conditions (PMID: 10694924, 31794058; Invitae). ClinVar contains an entry for this variant (Variation ID: 17269). Variants that disrupt the consensus splice site are a relatively common cause of aberrant splicing (PMID: 17576681, 9536098). Studies have shown that this variant results in skipping of exon 9, but is expected to preserve the integrity of the reading-frame (PMID: 10694924). For these reasons, this variant has been classified as Pathogenic.

OMIM
Classification: Pathogenic for COMBINED OSTEOGENESIS IMPERFECTA AND EHLERS-DANLOS SYNDROME 2. Last evaluated: 2020-12-10. Review status: no assertion criteria provided. Collection method: literature only. Allele origin: germline. Not counted in ClinVar's aggregate classification.

Literature cited by the submitters: PubMed 10694924 (cited by Labcorp Genetics (formerly Invitae), Labcorp); PubMed 31794058 (cited by Labcorp Genetics (formerly Invitae), Labcorp); PubMed 17576681 (cited by Labcorp Genetics (formerly Invitae), Labcorp); PubMed 9536098 (cited by Labcorp Genetics (formerly Invitae), Labcorp); Nathanson, K. L., Mills, J., Atkinson, M., Carpentieri, D., Byers, P. H., Kaplan, P. Mixed osteogenesis imperfecta/Ehlers-Danlos phenotype in a family with an exon 9 skipping mutation in the COL1A2 gene of type I collagen. (Abstract) Am. J. Hum. Genet. 61 (suppl.): A108-only, 1997. (cited by OMIM).